The following is an entry in ClinVar:

ClinVar aggregate classification (germline): Uncertain significance (1 of 4 stars; one submission).

Conditions:
POLD1-related polyposis and colorectal cancer syndrome (CRCS10). Also called: Colorectal cancer 10; COLORECTAL CANCER, SUSCEPTIBILITY TO, ON CHROMOSOME 19q; Colorectal cancer, susceptibility to, 10. Identifiers: Orphanet 220460, MedGen C2675481, MONDO:0012953, OMIM 612591.

Submission:

Labcorp Genetics (formerly Invitae), Labcorp
Classification: Uncertain significance for POLD1-related polyposis and colorectal cancer syndrome. Last evaluated: 2022-01-14. Review status: criteria provided, single submitter. Criteria: Invitae Variant Classification Sherloc (09022015). Collection method: clinical testing. Allele origin: germline.
Comment: In summary, the available evidence is currently insufficient to determine the role of this variant in disease. Therefore, it has been classified as a Variant of Uncertain Significance. Algorithms developed to predict the effect of missense changes on protein structure and function are either unavailable or do not agree on the potential impact of this missense change (SIFT: "Deleterious"; PolyPhen-2: "Probably Damaging"; Align-GVGD: "Class C0"). This variant has not been reported in the literature in individuals affected with POLD1-related conditions. This variant is not present in population databases (gnomAD no frequency). This sequence change replaces alanine, which is neutral and non-polar, with valine, which is neutral and non-polar, at codon 904 of the POLD1 protein (p.Ala904Val).

NM_002691.4(POLD1):c.2711C>T (p.Ala904Val)

Gene: POLD1 (DNA polymerase delta 1, catalytic subunit; plus strand). Cytogenetic location: 19q13.33.
Variant type: single nucleotide variant.
Coding change: c.2711C>T on transcript NM_002691.4 (MANE Select); coding-DNA position 2711, C replaced by T.
Protein change: p.Ala904Val; replaces alanine 904 with valine.
Molecular consequence: missense variant. On other transcripts: non-coding transcript variant (1).
Genome position (GRCh38, 1-based): chr19:50,415,584, C>T. VCF-style: chr19-50415584-C-T. GRCh37 (hg19) VCF-style: chr19-50918841-C-T.
Other names: c.2711C>T, p.Ala904Val (NM_001256849.1); c.2789C>T, p.Ala930Val (NM_001308632.1); short protein forms A904V, A930V.
Identifiers: ClinVar variation 2082978 (VCV002082978.4), dbSNP rs2039251230, ClinGen allele CA406985729.